The following is an entry in ClinVar:

NM_021830.5(TWNK):c.1826G>T (p.Arg609Leu)

Gene: TWNK (twinkle mtDNA helicase; plus strand). Cytogenetic location: 10q24.31.
Variant type: single nucleotide variant.
Coding change: c.1826G>T on transcript NM_021830.5 (MANE Select); coding-DNA position 1826, G replaced by T.
Protein change: p.Arg609Leu; replaces arginine 609 with leucine.
Molecular consequence: missense variant. On other transcripts: 3 prime UTR variant (2), non-coding transcript variant (5).
Genome position (GRCh38, 1-based): chr10:100,993,281, G>T. VCF-style: chr10-100993281-G-T. GRCh37 (hg19) VCF-style: chr10-102753038-G-T.
Other names: c.*121G>T (NM_001163812.2, NM_001163814.2); c.464G>T, p.Arg155Leu (NM_001163813.2, NM_001368275.1); short protein forms R155L, R609L.
Identifiers: ClinVar variation 877377 (VCV000877377.4), dbSNP rs1274226715, ClinGen allele CA378212068.
Genomic context (GRCh38, chr10:100,993,281, plus strand): 5'-TGCAGGACAGGAAGCTGGTAACCGGGCCAGGGAAACGGTATCTGCAGGTGTCCAAGAACC[G>T]CTTTGATGGAGATGTAGGTGTCTTCCCGCTTGAGTTCAACAAGAACTCCCTCACCTTCTC-3'
Protein context (NP_068602.2, residues 599-619): GKRYLQVSKN[Arg609Leu]FDGDVGVFPL

ClinVar aggregate classification (germline): Uncertain significance. Review status: criteria provided, single submitter (1 of 4 stars). 4 submissions from 1 submitter: Uncertain significance (4). Last evaluated 2017-04-27.

Conditions:
Autosomal recessive cerebellar ataxia. Also called: Spinocerebellar ataxia, autosomal recessive; Spinocerebellar Ataxia, Recessive. Identifiers: Orphanet 1172, MedGen C5575375, MONDO:0015244.
Infantile onset spinocerebellar ataxia (MTDPS7). Also called: OHAHA SYNDROME; SPINOCEREBELLAR ATAXIA, INFANTILE, WITH SENSORY NEUROPATHY; Mitochondrial DNA depletion syndrome 7 (hepatocerebral type); OPHTHALMOPLEGIA, HYPOTONIA, ATAXIA, HYPOACUSIS, AND ATHETOSIS. Identifiers: Orphanet 1186, MedGen C1849096, MONDO:0010060, OMIM 271245.
Sensory ataxic neuropathy, dysarthria, and ophthalmoparesis (SANDO). Also called: Sensory ataxic neuropathy-dysarthria-ophthalmoparesis syndrome; Epilepsy, progressive myoclonic, type 5; SENSORY ATAXIC NEUROPATHY WITH MITOCHONDRIAL DNA DELETIONS, AUTOSOMAL RECESSIVE; Ataxia Neuropathy Spectrum (ANS). Identifiers: Orphanet 70595, MedGen C1843851, MONDO:0011835, OMIM 607459.
Progressive external ophthalmoplegia with mitochondrial DNA deletions, autosomal dominant 3. Also called: PROGRESSIVE EXTERNAL OPHTHALMOPLEGIA, AUTOSOMAL DOMINANT 3. Identifiers: MedGen C1836439, MONDO:0012241, OMIM 609286.

Submissions (4):

Illumina Laboratory Services, Illumina
Classification: Uncertain significance for Progressive external ophthalmoplegia with mitochondrial DNA deletions, autosomal dominant 3. Last evaluated: 2017-04-27. Review status: criteria provided, single submitter. Criteria: ICSL Variant Classification Criteria 13 December 2019. Collection method: clinical testing. Allele origin: germline.

Illumina Laboratory Services, Illumina
Classification: Uncertain significance for Sensory ataxic neuropathy-dysarthria-ophthalmoparesis syndrome. Last evaluated: 2017-04-27. Review status: criteria provided, single submitter. Criteria: ICSL Variant Classification Criteria 13 December 2019. Collection method: clinical testing. Allele origin: germline.

Illumina Laboratory Services, Illumina
Classification: Uncertain significance for Autosomal recessive cerebellar ataxia. Last evaluated: 2017-04-27. Review status: criteria provided, single submitter. Criteria: ICSL Variant Classification Criteria 13 December 2019. Collection method: clinical testing. Allele origin: germline.
Comment: This variant was observed as part of a predisposition screen in an ostensibly healthy population. A literature search was performed for the gene, cDNA change, and amino acid change (where applicable). Publications were found based on this search. However, the evidence from the literature, in combination with allele frequency data from public databases where available, was not sufficient to rule this variant in or out of causing disease. Therefore, this variant is classified as a variant of unknown significance.

Illumina Laboratory Services, Illumina
Classification: Uncertain significance for Infantile onset spinocerebellar ataxia. Last evaluated: 2017-04-27. Review status: criteria provided, single submitter. Criteria: ICSL Variant Classification Criteria 13 December 2019. Collection method: clinical testing. Allele origin: germline.

Literature cited by the submitters: PubMed 27551684.